The following is an entry in ClinVar:

NM_001105206.3(LAMA4):c.4781T>C (p.Leu1594Ser)

Gene: LAMA4 (laminin subunit alpha 4; minus strand). Cytogenetic location: 6q21.
Variant type: single nucleotide variant.
Coding change: c.4781T>C on transcript NM_001105206.3 (MANE Select); coding-DNA position 4781, T replaced by C.
Protein change: p.Leu1594Ser; replaces leucine 1594 with serine.
Molecular consequence: missense variant.
Genome position (GRCh38, 1-based): chr6:112,119,196, A>G on the plus strand (T>C on the coding strand, the complement: LAMA4 is on the minus strand). VCF-style: chr6-112119196-A-G. GRCh37 (hg19) VCF-style: chr6-112440399-A-G.
Other names: c.4760T>C, p.Leu1587Ser (NM_001105207.3, NM_002290.5); short protein forms L1587S, L1594S.
Identifiers: ClinVar variation 2447551 (VCV002447551.4), dbSNP rs782251675, ClinGen allele CA3964910.

ClinVar aggregate classification (germline): Uncertain significance (1 of 4 stars; one submission).

Conditions:
Cardiovascular phenotype. Identifiers: MedGen CN230736.

Allele frequency attached by ClinVar (database versions not stated): ExAC 0.00001; gnomAD 0.00001; gnomAD exomes 0.00001; TOPMed 0.00002.
gnomAD v4.1: 19 of 1,613,944 alleles (0.0012%); highest among the groups gnomAD compares: Non-Finnish European, 0.0015%; no homozygotes.

Submission:

Ambry Genetics
Classification: Uncertain significance for Cardiovascular phenotype. Last evaluated: 2025-12-16. Review status: criteria provided, single submitter. Criteria: Ambry Variant Classification Scheme 2023. Collection method: clinical testing. Allele origin: germline.
Comment: The p.L1587S variant (also known as c.4760T>C), located in coding exon 33 of the LAMA4 gene, results from a T to C substitution at nucleotide position 4760. The leucine at codon 1587 is replaced by serine, an amino acid with dissimilar properties. This amino acid position is conserved. In addition, the in silico prediction for this alteration is inconclusive. Since supporting evidence is limited at this time, the clinical significance of this alteration remains unclear.